The following is an entry in ClinVar:

NM_002225.5(IVD):c.687+1G>C

Gene: IVD (isovaleryl-CoA dehydrogenase; plus strand). Cytogenetic location: 15q15.1.
Variant type: single nucleotide variant.
Coding change: c.687+1G>C on transcript NM_002225.5 (MANE Select); the canonical splice donor site of the intron after coding-DNA position 687, G replaced by C.
Molecular consequence: splice donor variant.
Genome position (GRCh38, 1-based): chr15:40,411,692, G>C. VCF-style: chr15-40411692-G-C. GRCh37 (hg19) VCF-style: chr15-40703891-G-C.
Other names: c.774+1G>C (NM_001354600.3, NM_001354599.3); c.687+1G>C (NM_001354598.3, NM_001354601.3); c.639+1G>C (NM_001354597.3); c.597+1G>C (NM_001159508.3).
Identifiers: ClinVar variation 1487939 (VCV001487939.8), dbSNP rs2141332035, ClinGen allele CA391717985.

ClinVar aggregate classification (germline): Likely pathogenic (1 of 4 stars; one submission).

Conditions:
Isovaleryl-CoA dehydrogenase deficiency (IVA). Also called: Isovaleric acidemia; Classic Isovaleric Acidemia; ISOVALERIC ACID CoA DEHYDROGENASE DEFICIENCY; IVD DEFICIENCY. Identifiers: Orphanet 33, MedGen C0268575, MONDO:0009475, OMIM 243500.

Submission:

Labcorp Genetics (formerly Invitae), Labcorp
Classification: Likely pathogenic for Isovaleryl-CoA dehydrogenase deficiency. Last evaluated: 2021-06-23. Review status: criteria provided, single submitter. Criteria: Invitae Variant Classification Sherloc (09022015). Collection method: clinical testing. Allele origin: germline.
Comment: In summary, the currently available evidence indicates that the variant is pathogenic, but additional data are needed to prove that conclusively. Therefore, this variant has been classified as Likely Pathogenic. Algorithms developed to predict the effect of sequence changes on RNA splicing suggest that this variant may disrupt the consensus splice site, but this prediction has not been confirmed by published transcriptional studies. Disruption of this spice site has been observed in individual(s) with isovaleric acidemia (PMID: 26018748). This variant is not present in population databases (ExAC no frequency). This sequence change affects a donor splice site in intron 6 of the IVD gene. It is expected to disrupt RNA splicing. Variants that disrupt the donor or acceptor splice site typically lead to a loss of protein function (PMID: 16199547), and loss-of-function variants in IVD are known to be pathogenic (PMID: 16602101).

Literature cited by the submitters: PubMed 26018748; PubMed 16199547; PubMed 16602101.